The following is an entry in ClinVar:

ClinVar aggregate classification (germline): Uncertain significance (1 of 4 stars; one submission).

Conditions:
Mucopolysaccharidosis, MPS-II (MPS2). Also called: IDS deficiency; Sulfoiduronate sulfatase deficiency; SIDS deficiency; Mucopolysaccharidosis type 2; Attenuated MPS (subtype; formerly known as mild MPS II); Severe MPS II. Identifiers: Orphanet 580, Orphanet 79388, MedGen C0026705, MONDO:0010674, OMIM 309900.

Submission:

Labcorp Genetics (formerly Invitae), Labcorp
Classification: Uncertain significance for Mucopolysaccharidosis, MPS-II. Last evaluated: 2024-07-12. Review status: criteria provided, single submitter. Criteria: Invitae Variant Classification Sherloc (09022015). Collection method: clinical testing. Allele origin: germline.
Comment: This sequence change replaces arginine, which is basic and polar, with glycine, which is neutral and non-polar, at codon 443 of the IDS protein (p.Arg443Gly). This variant is not present in population databases (gnomAD no frequency). This variant has not been reported in the literature in individuals affected with IDS-related conditions. ClinVar contains an entry for this variant (Variation ID: 2092949). Advanced modeling of protein sequence and biophysical properties (such as structural, functional, and spatial information, amino acid conservation, physicochemical variation, residue mobility, and thermodynamic stability) has been performed at Invitae for this missense variant, however the output from this modeling did not meet the statistical confidence thresholds required to predict the impact of this variant on IDS protein function. In summary, the available evidence is currently insufficient to determine the role of this variant in disease. Therefore, it has been classified as a Variant of Uncertain Significance.

NM_000202.8(IDS):c.1327C>G (p.Arg443Gly)

Gene: IDS (iduronate 2-sulfatase; minus strand). Cytogenetic location: Xq28.
Variant type: single nucleotide variant.
Coding change: c.1327C>G on transcript NM_000202.8 (MANE Select); coding-DNA position 1327, C replaced by G.
Protein change: p.Arg443Gly; replaces arginine 443 with glycine.
Molecular consequence: missense variant.
Genome position (GRCh38, 1-based): chrX:149,483,072, G>C on the plus strand (C>G on the coding strand, the complement: IDS is on the minus strand). VCF-style: chrX-149483072-G-C. GRCh37 (hg19) VCF-style: chrX-148564603-G-C.
Other names: c.1057C>G, p.Arg353Gly (NM_001166550.4); short protein forms R353G, R443G.
Identifiers: ClinVar variation 2092949 (VCV002092949.4), dbSNP rs199422227, ClinGen allele CA414518325.